The following is an entry in ClinVar:

NM_021008.4(DEAF1):c.625A>C (p.Asn209His)

Gene: DEAF1 (DEAF1 transcription factor; minus strand). Cytogenetic location: 11p15.5.
Variant type: single nucleotide variant.
Coding change: c.625A>C on transcript NM_021008.4 (MANE Select); coding-DNA position 625, A replaced by C.
Protein change: p.Asn209His; replaces asparagine 209 with histidine.
Molecular consequence: missense variant. On other transcripts: 5 prime UTR variant (1).
Genome position (GRCh38, 1-based): chr11:687,950, T>G on the plus strand (A>C on the coding strand, the complement: DEAF1 is on the minus strand). VCF-style: chr11-687950-T-G. GRCh37 (hg19) VCF-style: chr11-687950-T-G.
Other names: c.625A>C, p.Asn209His (NM_001293634.2); c.-102A>C (NM_001367390.1); c.625A>C (NM_021008.2); short protein forms N209H.
Identifiers: ClinVar variation 3719697 (VCV003719697.2).
Genomic context (GRCh38, chr11:687,950, plus strand): 5'-GTCTGAAGTGGCAGTCCTCACCTGAGCCGAGCCTGTTCTTGTACAGAGTGCCGCTGATGT[T>G]CCGGCACCGTACGGGCAGCTCACTGTCGTACACAGAAGGGTCCCAGTTGTATTTAGTTCC-3'
Protein context (NP_066288.2, residues 199-219): YDSELPVRCR[Asn209His]ISGTLYKNRL

ClinVar aggregate classification (germline): Uncertain significance. Review status: criteria provided, multiple submitters, no conflicts (2 of 4 stars). 2 submissions from 2 submitters: Uncertain significance (2). Last evaluated 2025-08-14.

Submissions (2):

GeneDx
Classification: Uncertain significance. Last evaluated: 2025-08-14. Review status: criteria provided, single submitter. Criteria: GeneDx Variant Classification Process June 2021. Collection method: clinical testing. Allele origin: germline. Affected: yes.
Comment: Not observed at significant frequency in large population cohorts (gnomAD); In silico analysis supports that this missense variant has a deleterious effect on protein structure/function; Has not been previously published as pathogenic or benign to our knowledge

Labcorp Genetics (formerly Invitae), Labcorp
Classification: Uncertain significance. Last evaluated: 2024-12-07. Review status: criteria provided, single submitter. Criteria: Invitae Variant Classification Sherloc (09022015). Collection method: clinical testing. Allele origin: germline.
Comment: This sequence change replaces asparagine, which is neutral and polar, with histidine, which is basic and polar, at codon 209 of the DEAF1 protein (p.Asn209His). This variant is not present in population databases (gnomAD no frequency). This variant has not been reported in the literature in individuals affected with DEAF1-related conditions. Invitae Evidence Modeling of protein sequence and biophysical properties (such as structural, functional, and spatial information, amino acid conservation, physicochemical variation, residue mobility, and thermodynamic stability) has been performed for this missense variant. However, the output from this modeling did not meet the statistical confidence thresholds required to predict the impact of this variant on DEAF1 protein function. In summary, the available evidence is currently insufficient to determine the role of this variant in disease. Therefore, it has been classified as a Variant of Uncertain Significance.